The following is an entry in ClinVar:

NM_006017.3(PROM1):c.205C>T (p.Arg69Cys)

Gene: PROM1 (prominin 1; minus strand). Cytogenetic location: 4p15.32.
Variant type: single nucleotide variant.
Coding change: c.205C>T on transcript NM_006017.3 (MANE Select); coding-DNA position 205, C replaced by T.
Protein change: p.Arg69Cys; replaces arginine 69 with cysteine.
Molecular consequence: missense variant.
Genome position (GRCh38, 1-based): chr4:16,075,702, G>A on the plus strand (C>T on the coding strand, the complement: PROM1 is on the minus strand). VCF-style: chr4-16075702-G-A. GRCh37 (hg19) VCF-style: chr4-16077325-G-A.
Other names: c.205C>T, p.Arg69Cys (NM_001145847.2, NM_001145848.2, NM_001145849.2 and 6 more transcripts); c.205C>T (NM_006017.2); short protein forms R69C.
Identifiers: ClinVar variation 1377130 (VCV001377130.7), dbSNP rs769617038, ClinGen allele CA2867169.
Genomic context (GRCh38, chr4:16,075,702, plus strand): 5'-TGCGTTTGGAGATAAATCCTATCTTTCCCTGCCATCAGCACTTACCTTCTGGGAAATCAC[G>A]CGGCTGTACCACATAGAGAAAGATATGCACTAGTTCAAAGAGAATGCCAATGGGTCCAGC-3'
Protein context (NP_006008.1, residues 59-79): VHIFLYVVQP[Arg69Cys]DFPEDTLRKF

ClinVar aggregate classification (germline): Uncertain significance. Review status: criteria provided, multiple submitters, no conflicts (2 of 4 stars). 2 submissions from 2 submitters: Uncertain significance (2). Last evaluated 2025-11-11.

Conditions:
PROM1-related disorder. Also called: PROM1-related disorders; PROM1-related condition.

Allele frequency attached by ClinVar (database versions not stated): TOPMed below 0.00001; gnomAD exomes 0.00001; ExAC 0.00002.

Submissions (2):

PreventionGenetics, part of Exact Sciences
Classification: Uncertain significance for PROM1-related condition. Last evaluated: 2025-11-11. Review status: criteria provided, single submitter. Criteria: ACMG Guidelines, 2015. Collection method: clinical testing. Allele origin: germline.
Comment: The PROM1 c.205C>T variant is predicted to result in the amino acid substitution p.Arg69Cys. To our knowledge, this variant has not been reported in the literature. This variant is reported in 0.0033% of alleles in individuals of South Asian descent in gnomAD. At this time, the clinical significance of this variant is uncertain due to the absence of conclusive functional and genetic evidence.

Labcorp Genetics (formerly Invitae), Labcorp
Classification: Uncertain significance. Last evaluated: 2025-11-03. Review status: criteria provided, single submitter. Criteria: Invitae Variant Classification Sherloc (09022015). Collection method: clinical testing. Allele origin: germline.
Comment: This sequence change replaces arginine, which is basic and polar, with cysteine, which is neutral and slightly polar, at codon 69 of the PROM1 protein (p.Arg69Cys). The frequency data for this variant in the population databases is considered unreliable, as metrics indicate poor data quality at this position in the gnomAD database. This variant has not been reported in the literature in individuals affected with PROM1-related conditions. ClinVar contains an entry for this variant (Variation ID: 1377130). Invitae Evidence Modeling of protein sequence and biophysical properties (such as structural, functional, and spatial information, amino acid conservation, physicochemical variation, residue mobility, and thermodynamic stability) indicates that this missense variant is expected to disrupt PROM1 protein function with a positive predictive value of 80%. In summary, the available evidence is currently insufficient to determine the role of this variant in disease. Therefore, it has been classified as a Variant of Uncertain Significance.